The following is an entry in ClinVar:

NC_000023.10:g.(31697704_31747747)_(31854937_31893304)dup

Gene: DMD (dystrophin; minus strand). Cytogenetic location: Xp21.1.
Variant type: Duplication.
Identifiers: ClinVar variation 4847610 (VCV004847610.1).

ClinVar aggregate classification (germline): Pathogenic (1 of 4 stars; one submission).

Conditions:
Neuromuscular disease caused by qualitative or quantitative defects of dystrophin. Also called: Qualitative or quantitative defects of dystrophin. Identifiers: Orphanet 207085, MedGen C5679787, MONDO:0016147.

Submission:

Women's Health and Genetics/Laboratory Corporation of America, LabCorp
Classification: Pathogenic for Neuromuscular disease caused by qualitative or quantitative defects of dystrophin. Last evaluated: 2026-03-30. Review status: criteria provided, single submitter. Criteria: LabCorp Variant Classification Summary - May 2015. Collection method: clinical testing. Allele origin: germline.
Comment: Variant summary: The variant involves the duplication of exons 49-52 in the DMD gene. A presumed nomenclature of c.(7098+1_7099-1)_(7660+1_7661-1)dup has been designated for the purposes of this classification. It is assumed to be a tandem duplication in direct orientation (PMIDs: 25640679, 30054569). This Copy Number Variant (CNV) is expected to alter the reading frame and predicted to result in a truncation or absence of the encoded protein due to nonsense mediated decay (NMD). Loss-of-function variants in this gene are known to be pathogenic. The variant was absent in 95209 control chromosomes in the gnomAD database (Structural Variants v4.1 dataset). Duplication of exons 49-52 has been observed in individual(s) affected with Dystrophinopathies (e.g. Kohli_2020). To our knowledge, no experimental evidence demonstrating an impact on protein function has been reported. ClinVar contains an entry for this variant (Variation ID: 3243153). Based on the evidence outlined above, the variant was classified as pathogenic.

Literature cited by the submitters: PubMed 32358784; PubMed 34327855.